The following is an entry in ClinVar:

ClinVar aggregate classification (germline): Conflicting classifications of pathogenicity. Review status: criteria provided, conflicting classifications (1 of 4 stars). 10 submissions from 10 submitters: Uncertain significance (3); Likely benign (5). 2 of the submissions do not count toward it. Last evaluated 2025-11-12.

Conditions:
Autosomal recessive ataxia, Beauce type. Also called: ATAXIA, RECESSIVE, OF BEAUCE; Spinocerebellar ataxia, autosomal recessive 8; SYNE1-Related Autosomal Recessive Cerebellar Ataxia; SYNE1 Deficiency. Identifiers: Orphanet 88644, MedGen C1853116, MONDO:0012549, OMIM 610743.
Emery-Dreifuss muscular dystrophy 4, autosomal dominant (EDMD4). Also called: EMERY-DREIFUSS MUSCULAR DYSTROPHY 4 WITH VARIABLE FEATURES. Identifiers: Orphanet 261, MedGen C2751807, MONDO:0013071, OMIM 612998.

Allele frequency attached by ClinVar (database versions not stated): ExAC 0.00034; TOPMed 0.00097; ESP Exome Variant Server 0.00100; 1000 Genomes Project 0.00140; 1000 Genomes Project 30x 0.00187.
gnomAD v4.1: 389 of 1,614,142 alleles (0.024%); highest among the groups gnomAD compares: African/African-American, 0.28%; no homozygotes.

Submissions (10):

Labcorp Genetics (formerly Invitae), Labcorp
Classification: Likely benign for Emery-Dreifuss muscular dystrophy 4, autosomal dominant; Autosomal recessive ataxia, Beauce type. Last evaluated: 2025-11-12. Review status: criteria provided, single submitter. Criteria: Invitae Variant Classification Sherloc (09022015). Collection method: clinical testing. Allele origin: germline.

Athena Diagnostics
Classification: Likely benign. Last evaluated: 2025-08-28. Review status: criteria provided, single submitter. Criteria: Athena Diagnostics Criteria. Collection method: clinical testing. Allele origin: unknown.
Comment: The frequency of this variant in the general population is higher than would generally be expected for pathogenic variants in this gene.

Mayo Clinic Laboratories, Mayo Clinic
Classification: Likely benign. Last evaluated: 2024-10-15. Review status: criteria provided, single submitter. Criteria: ACMG Guidelines, 2015. Collection method: clinical testing. Allele origin: germline. Observed: 1 variant allele.
Comment: BS1, BP4

Blueprint Genetics
Classification: Uncertain significance. Last evaluated: 2024-04-05. Review status: criteria provided, single submitter. Criteria: ACMG Guidelines, 2015. Collection method: clinical testing. Allele origin: germline.

Baylor Genetics
Classification: Uncertain significance for Autosomal recessive ataxia, Beauce type. Last evaluated: 2021-06-29. Review status: criteria provided, single submitter. Criteria: ACMG Guidelines, 2015. Collection method: clinical testing. Allele origin: unknown.

CeGaT Center for Human Genetics Tuebingen
Classification: Uncertain significance. Last evaluated: 2020-04-01. Review status: criteria provided, single submitter. Criteria: CeGaT Center For Human Genetics Tuebingen Variant Classification Criteria Version 2. Collection method: clinical testing. Allele origin: germline. Affected: yes. Observed: 1 variant allele.

GeneDx
Classification: Likely benign. Last evaluated: 2019-03-27. Review status: criteria provided, single submitter. Criteria: GeneDx Variant Classification Process June 2021. Collection method: clinical testing. Allele origin: germline. Affected: yes.
Comment: This variant is associated with the following publications: (PMID: 28017257)

Eurofins Ntd Llc (ga)
Classification: Likely benign. Last evaluated: 2016-09-29. Review status: criteria provided, single submitter. Criteria: EGL Classification Definitions 2015. Collection method: clinical testing. Allele origin: germline. Observed: 9 variant alleles, 9 heterozygotes.

Clinical Genetics DNA and cytogenetics Diagnostics Lab, Erasmus MC, Erasmus Medical Center
Classification: Uncertain significance. Review status: no assertion criteria provided. Collection method: clinical testing. Allele origin: germline. Affected: yes. Study: VKGL Data-share Consensus. Not counted in ClinVar's aggregate classification.

Genome Diagnostics Laboratory, Amsterdam University Medical Center
Classification: Uncertain significance. Review status: no assertion criteria provided. Collection method: clinical testing. Allele origin: germline. Affected: yes. Study: VKGL Data-share Consensus. Not counted in ClinVar's aggregate classification.

Literature cited by the submitters: PubMed 30275942 (cited by Athena Diagnostics); PubMed 28017257 (cited by Athena Diagnostics and Mayo Clinic Laboratories, Mayo Clinic); PubMed 30119932 (cited by Athena Diagnostics); PubMed 35326432 (cited by Mayo Clinic Laboratories, Mayo Clinic).

NM_182961.4(SYNE1):c.17483C>G (p.Thr5828Arg)

Genes: SYNE1 (spectrin repeat containing nuclear envelope protein 1; minus strand), LOC129997480 (ATAC-STARR-seq lymphoblastoid active region 25287; plus strand). Cytogenetic location: 6q25.2.
Variant type: single nucleotide variant.
Coding change: c.17483C>G on transcript NM_182961.4 (MANE Select); coding-DNA position 17483, C replaced by G.
Protein change: p.Thr5828Arg; replaces threonine 5828 with arginine.
Molecular consequence: missense variant.
Genome position (GRCh38, 1-based): chr6:152,301,927, G>C on the plus strand (C>G on the coding strand, the complement: SYNE1 is on the minus strand). VCF-style: chr6-152301927-G-C. GRCh37 (hg19) VCF-style: chr6-152623062-G-C.
Other names: p.Thr5757Arg; c.17270C>G, p.Thr5757Arg (NM_033071.5); short protein forms T5757R, T5828R.
Identifiers: ClinVar variation 283143 (VCV000283143.60), dbSNP rs150376715, ClinGen allele CA4055224.
Genomic context (GRCh38, chr6:152,301,927, plus strand): 5'-ACCATGACCACAGAGGGGTGGGCCGAAGGCGTGGGGAGGAGCTCCCCATCCAGGTCCTCT[G>C]TCCCTTCCGCCAGCCCCTCGACCTCGGTCACCGTCAGCAGCATGGTGGCGTGCTTGGCTT-3'
Protein context (NP_892006.3, residues 5818-5838): VTEVEGLAEG[Thr5828Arg]EDLDGELLPT